The following is an entry in ClinVar:

NM_013266.4(CTNNA3):c.2384A>G (p.Glu795Gly)

Gene: CTNNA3 (catenin alpha 3; minus strand). Cytogenetic location: 10q21.3.
Variant type: single nucleotide variant.
Coding change: c.2384A>G on transcript NM_013266.4 (MANE Select); coding-DNA position 2384, A replaced by G.
Protein change: p.Glu795Gly; replaces glutamic acid 795 with glycine.
Molecular consequence: missense variant.
Genome position (GRCh38, 1-based): chr10:65,966,628, T>C on the plus strand (A>G on the coding strand, the complement: CTNNA3 is on the minus strand). VCF-style: chr10-65966628-T-C. GRCh37 (hg19) VCF-style: chr10-67726386-T-C.
Other names: c.2384A>G, p.Glu795Gly (NM_001127384.3); short protein forms E795G.
Identifiers: ClinVar variation 3498296 (VCV003498296.1).
Genomic context (GRCh38, chr10:65,966,628, plus strand): 5'-AGCATCTTCCACCTGTGATCATGTAAGTGCTAGGCAGTACTCACAGCTGACATGATGAGC[T>C]CTCCTCCCAGGTTCTGGATCTCAGCTTTAACTTGACTGCAGATTTTCAGTTGGTGGGAGT-3'
Protein context (NP_037398.2, residues 785-805): VKAEIQNLGG[Glu795Gly]LIMSALDSVT

ClinVar aggregate classification (germline): Uncertain significance (1 of 4 stars; one submission).

Submission:

Ambry Genetics
Classification: Uncertain significance. Last evaluated: 2024-08-28. Review status: criteria provided, single submitter. Criteria: Ambry Variant Classification Scheme 2023. Collection method: clinical testing. Allele origin: germline.
Comment: The p.E795G variant (also known as c.2384A>G), located in coding exon 16 of the CTNNA3 gene, results from an A to G substitution at nucleotide position 2384. The glutamic acid at codon 795 is replaced by glycine, an amino acid with similar properties. This amino acid position is conserved. In addition, the in silico prediction for this alteration is inconclusive. Based on the available evidence, the clinical significance of this variant remains unclear.